The following is an entry in ClinVar:

ClinVar aggregate classification (germline): Uncertain significance (1 of 4 stars; one submission).

Conditions:
Hereditary cancer-predisposing syndrome. Also called: Tumor predisposition; Hereditary neoplastic syndrome; Hereditary Cancer Syndrome; Neoplastic Syndromes, Hereditary. Identifiers: Orphanet 140162, MedGen C0027672, MeSH D009386, MONDO:0015356.

Submission:

Ambry Genetics
Classification: Uncertain significance for Hereditary cancer-predisposing syndrome. Last evaluated: 2026-03-09. Review status: criteria provided, single submitter. Criteria: Ambry Variant Classification Scheme 2023. Collection method: clinical testing. Allele origin: germline.
Comment: The p.S1988T variant (also known as c.5963G>C), located in coding exon 39 of the ATM gene, results from a G to C substitution at nucleotide position 5963. The serine at codon 1988 is replaced by threonine, an amino acid with similar properties. This amino acid position is conserved. In addition, this alteration is predicted to be tolerated by in silico analysis. Based on the available evidence, the clinical significance of this variant remains unclear.

NM_000051.4(ATM):c.5963G>C (p.Ser1988Thr)

Genes: ATM (ATM serine/threonine kinase; plus strand), C11orf65 (chromosome 11 open reading frame 65; minus strand). Cytogenetic location: 11q22.3.
Variant type: single nucleotide variant.
Coding change: c.5963G>C on transcript NM_000051.4 (MANE Select); coding-DNA position 5963, G replaced by C.
Protein change: p.Ser1988Thr; replaces serine 1988 with threonine.
Molecular consequence: missense variant. On other transcripts: intron variant (2).
Genome position (GRCh38, 1-based): chr11:108,312,455, G>C. VCF-style: chr11-108312455-G-C. GRCh37 (hg19) VCF-style: chr11-108183182-G-C.
Other names: c.5963G>C, p.Ser1988Thr (NM_001351834.2); c.641-3384C>G (NM_001330368.2); c.*39-3384C>G (NM_001351110.2); short protein forms S1988T.
Identifiers: ClinVar variation 4827602 (VCV004827602.1).